The following is an entry in ClinVar:

NM_001048174.2(MUTYH):c.606G>A (p.Gln202=)

Gene: MUTYH (mutY DNA glycosylase; minus strand). Cytogenetic location: 1p34.1.
Variant type: single nucleotide variant.
Coding change: c.606G>A on transcript NM_001048174.2 (MANE Select); coding-DNA position 606, G replaced by A.
Protein change: p.Gln202=; no amino-acid change (glutamine 202 retained).
Molecular consequence: synonymous variant. On other transcripts: non-coding transcript variant (2).
Genome position (GRCh38, 1-based): chr1:45,332,574, C>T on the plus strand (G>A on the coding strand, the complement: MUTYH is on the minus strand). VCF-style: chr1-45332574-C-T. GRCh37 (hg19) VCF-style: chr1-45798246-C-T.
Other names: c.606G>A, p.Gln202= (NM_001048171.2, NM_001048173.2, NM_001293195.2); c.609G>A, p.Gln203= (NM_001048172.2); c.690G>A, p.Gln230= (NM_001128425.2); c.651G>A, p.Gln217= (NM_001293190.2); c.639G>A, p.Gln213= (NM_001293191.2); c.330G>A, p.Gln110= (NM_001293192.2, NM_001293196.2); c.261G>A, p.Gln87= (NM_001350650.2, NM_001350651.2); c.681G>A, p.Gln227= (NM_012222.3).
Identifiers: ClinVar variation 481804 (VCV000481804.27), dbSNP rs199989617, ClinGen allele CA21838430.
Genomic context (GRCh38, chr1:45,332,574, plus strand): 5'-GCCTGGGCTGGGAGGAAGGAGGCTGGGCACGCACAAAGTGGGGGTGGGCTGTGAGATCAC[C>T]TGGCCAAAGGCGATAGAGGCAATGGCCCCAGCTGTGTAGCGCCCCACGCCAGGCAGGAGC-3'
Protein context (NP_001041639.1, residues 192-212): AGAIASIAFG[Gln202=]ATGVVDGNVA

ClinVar aggregate classification (germline): Pathogenic/Likely pathogenic. Review status: criteria provided, multiple submitters, no conflicts (2 of 4 stars). 9 submissions from 9 submitters: Pathogenic (2); Likely pathogenic (7). Last evaluated 2026-07-27.

Conditions:
Gastric cancer. Also called: Stomach cancer; Malignant tumor of stomach. Identifiers: MedGen C0024623, MeSH D013274, MONDO:0001056, OMIM 613659, HP:0012126.
Familial adenomatous polyposis 2. Also called: MYH-associated polyposis; Adenomas, multiple colorectal; MUTYH-associated polyposis; MUTYH Polyposis; COLORECTAL ADENOMATOUS POLYPOSIS, AUTOSOMAL RECESSIVE; ADENOMAS, MULTIPLE COLORECTAL, AUTOSOMAL RECESSIVE. Identifiers: Orphanet 220460, Orphanet 247798, MedGen C3272841, MONDO:0012041, OMIM 608456.
Hereditary cancer-predisposing syndrome. Also called: Tumor predisposition; Neoplastic Syndromes, Hereditary; Hereditary Cancer Syndrome; Hereditary neoplastic syndrome. Identifiers: Orphanet 140162, MedGen C0027672, MeSH D009386, MONDO:0015356.

Allele frequency attached by ClinVar (database versions not stated): TOPMed below 0.00001; gnomAD exomes below 0.00001; gnomAD 0.00001.

Submissions (9):

Myriad Genetics, Inc.
Classification: Likely pathogenic for Familial adenomatous polyposis 2. Last evaluated: 2026-07-27. Review status: criteria provided, single submitter. Criteria: Myriad Autosomal Dominant, Autosomal Recessive and X-Linked Classification Criteria (2023). Collection method: clinical testing. Allele origin: unknown.
Comment: This variant is considered likely pathogenic. mRNA analysis has demonstrated abnormal mRNA splicing occurs [Myriad internal data]. This variant has been reported in multiple individuals with clinical features of gene-specific disease [PMID: 19732775, 18515411, 34704405].

Labcorp Genetics (formerly Invitae), Labcorp
Classification: Pathogenic for Familial adenomatous polyposis 2. Last evaluated: 2025-10-18. Review status: criteria provided, single submitter. Criteria: Invitae Variant Classification Sherloc (09022015). Collection method: clinical testing. Allele origin: germline.
Comment: This sequence change affects codon 230 of the MUTYH mRNA. It is a 'silent' change, meaning that it does not change the encoded amino acid sequence of the MUTYH protein. RNA analysis indicates that this variant induces altered splicing and may result in an absent or altered protein product. This variant is present in population databases (rs199989617, gnomAD 0.0009%). This variant has been observed in individual(s) with MUTYH-associated polyposis (PMID: 19732775, 25559809). In at least one individual the data is consistent with being in trans (on the opposite chromosome) from a pathogenic variant. This variant is also known as c.681G>A. ClinVar contains an entry for this variant (Variation ID: 481804). Variants that disrupt the consensus splice site are a relatively common cause of aberrant splicing (PMID: 17576681, 9536098). Studies have shown that this variant results in skipping of exon 8, and produces a non-functional protein and/or introduces a premature termination codon (PMID: 18515411; internal data). For these reasons, this variant has been classified as Pathogenic.

Color Diagnostics, LLC DBA Color Health
Classification: Likely pathogenic for Hereditary cancer-predisposing syndrome. Last evaluated: 2025-07-08. Review status: criteria provided, single submitter. Criteria: ACMG Guidelines, 2015. Collection method: clinical testing. Allele origin: germline.
Comment: This synonymous variant does not change the amino acid sequence of the MUTYH protein, but it causes a G to A substitution at the last nucleotide position of exon 8 of the MUTYH gene. Splice site prediction tools suggest that this variant may have a significant impact on RNA splicing. An RNA study has shown that this variant (also known as c.681G>A in the literature) causes skipping of exon 8 in the MUTYH transcript (PMID: 18515411). This variant has been reported in the compound heterozygous state in individuals affected with MUTYH-associated polyposis (PMID:18515411, 19032956, 19732775, 25559809). This variant has also been identified in 1/251322 chromosomes in the general population by the Genome Aggregation Database (gnomAD). Loss of MUTYH function is a known mechanism of disease. Based on the available evidence, this variant is classified as Likely Pathogenic.

Ambry Genetics
Classification: Pathogenic for Hereditary cancer-predisposing syndrome. Last evaluated: 2024-02-29. Review status: criteria provided, single submitter. Criteria: Ambry Variant Classification Scheme 2023. Collection method: clinical testing. Allele origin: germline.
Comment: The c.690G>A pathogenic mutation (also known as p.Q230Q), located in coding exon 8 of the MUTYH gene, results from a G to A substitution at nucleotide position 690. This nucleotide substitution does not change the glutamine at codon 230. However, this change occurs in the last base pair of coding exon 8, which makes it likely to have some effect on normal mRNA splicing. This variant has been reported as compound heterozygous in individuals with colorectal polyposis; furthermore, this mutation has been shown to result in aberrant splicing with exon 8 skipping by RNA studies (Ambry internal data; Vogt S et al. Gastroenterology 2009 Dec; 137(6):1976-85.e1-10; Dallosso AR et al. Gut 2008 Sep; 57(9):1252-5). Of note, this mutation is also designated as c.681G>A in the published literature. This nucleotide position is highly conserved in available vertebrate species. In silico splice site analysis predicts that this alteration will weaken the native splice donor site. Based on the supporting evidence, this alteration is interpreted as a disease-causing mutation.

Fulgent Genetics
Classification: Likely pathogenic for Familial adenomatous polyposis 2; Gastric cancer. Last evaluated: 2024-02-13. Review status: criteria provided, single submitter. Criteria: ACMG Guidelines, 2015. Collection method: clinical testing. Allele origin: germline.

All of Us Research Program, National Institutes of Health
Classification: Likely pathogenic for Familial adenomatous polyposis 2. Last evaluated: 2023-12-18. Review status: criteria provided, single submitter. Criteria: ACMG Guidelines, 2015. Collection method: clinical testing. Allele origin: germline. Inheritance: Autosomal recessive inheritance. Observed: 2 variant alleles, 2 heterozygotes.
Comment: This synonymous variant does not change the amino acid sequence of the MUTYH protein, but it causes a G to A substitution at the last nucleotide position of exon 8 of the MUTYH gene. Splice site prediction tools suggest that this variant may have a significant impact on RNA splicing. An RNA study has shown that this variant (also known as c.681G>A in the literature) causes skipping of exon 8 in the MUTYH transcript (PMID: 18515411). This variant has been reported in the compound heterozygous state in individuals affected with MUTYH-associated polyposis (PMID:18515411, 19032956, 19732775, 25559809). This variant has also been identified in 1/251322 chromosomes in the general population by the Genome Aggregation Database (gnomAD). Loss of MUTYH function is a known mechanism of disease. Based on the available evidence, this variant is classified as Likely Pathogenic.

This study involves interpretation of variants in research participants for the purpose of population health screening. Participant phenotype was not available at the time of variant classification. Additional details can be found in publication PMID: 35346344, PMCID: PMC8962531

GeneDx
Classification: Likely pathogenic. Last evaluated: 2023-01-20. Review status: criteria provided, single submitter. Criteria: GeneDx Variant Classification Process June 2021. Collection method: clinical testing. Allele origin: germline. Affected: yes.
Comment: Not observed at significant frequency in large population cohorts (gnomAD); Published functional studies demonstrate abnormal splicing resulting in skipping of exon 8 (Dallosso et al., 2008); In silico analysis supports that this variant may damage or destroy the splice donor site and impact gene splicing; This variant is associated with the following publications: (PMID: 19032956, 19732775, 19394335, 23212176, 25525159, 18515411, 25559809, 34704405)

Sema4
Classification: Likely pathogenic for Hereditary cancer-predisposing syndrome. Last evaluated: 2021-11-29. Review status: criteria provided, single submitter. Criteria: Sema4 Curation Guidelines. Collection method: curation. Allele origin: germline.
Comment: The MUTYH c.690G>A (p.Q230=) variant has been reported as compound heterozygous in at least two individuals with colorectal polyposis and/or colorectal cancer (PMID: 18515411, 25559809). It is also known as c.681G>A (p.Q227=) in the literature. This variant is located at the last nucelotide of exon 8. Functional studies and in silico models support pathogenicity showing that the variant leads to the skipping of exon 8 (PMID: 18515411). This variant was observed in 1/113702 chromosomes in the Non-Finnish European population according to the Genome Aggregation Database (PMID: 32461654). This variant has been reported in ClinVar (Variation ID: 481804). Based on the current evidence available, this variant is interpreted as likely pathogenic.

Quest Diagnostics Nichols Institute San Juan Capistrano
Classification: Likely pathogenic. Last evaluated: 2018-03-27. Review status: criteria provided, single submitter. Criteria: Quest Diagnostics criteria. Collection method: clinical testing. Allele origin: germline.

Literature cited by the submitters: PubMed 19732775 (cited by 5 submitters); PubMed 18515411 (cited by 6 submitters); PubMed 34704405 (cited by Myriad Genetics, Inc.); PubMed 25559809 (cited by 5 submitters); PubMed 17576681 (cited by Labcorp Genetics (formerly Invitae), Labcorp); PubMed 9536098 (cited by Labcorp Genetics (formerly Invitae), Labcorp); PubMed 19032956 (cited by Color Diagnostics, LLC DBA Color Health and All of Us Research Program, National Institutes of Health).